The following is an entry in ClinVar:

NM_032603.5(LOXL3):c.1398C>T (p.Tyr466=)

Gene: LOXL3 (lysyl oxidase like 3; minus strand). Cytogenetic location: 2p13.1.
Variant type: single nucleotide variant.
Coding change: c.1398C>T on transcript NM_032603.5 (MANE Select); coding-DNA position 1398, C replaced by T.
Protein change: p.Tyr466=; no amino-acid change (tyrosine 466 retained).
Molecular consequence: synonymous variant.
Genome position (GRCh38, 1-based): chr2:74,535,606, G>A on the plus strand (C>T on the coding strand, the complement: LOXL3 is on the minus strand). VCF-style: chr2-74535606-G-A. GRCh37 (hg19) VCF-style: chr2-74762733-G-A.
Other names: c.963C>T, p.Tyr321= (NM_001289164.3); c.315C>T, p.Tyr105= (NM_001289165.2); c.1398C>T (NM_032603.4).
Identifiers: ClinVar variation 3611042 (VCV003611042.3).
Genomic context (GRCh38, chr2:74,535,606, plus strand): 5'-CTTTGAGACAACAGCCTCGGCTCCCCTTTCCTTCCCACTCACCTGCAGGCCGTGGTTGGC[G>A]TAGCCCAGACCCAGTTGCCTACAGGCCACCATGGCCTCCAGGGTCCCCCAGTCATCCCCA-3'
Protein context (NP_115992.1, residues 456-476): MVACRQLGLG[Tyr466=]ANHGLQETWY

ClinVar aggregate classification (germline): Likely benign. Review status: criteria provided, multiple submitters, no conflicts (2 of 4 stars). 2 submissions from 2 submitters: Likely benign (2). Last evaluated 2025-11-24.

Conditions:
LOXL3-related disorder. Also called: LOXL3-related condition.

Submissions (2):

Labcorp Genetics (formerly Invitae), Labcorp
Classification: Likely benign. Last evaluated: 2025-11-24. Review status: criteria provided, single submitter. Criteria: Invitae Variant Classification Sherloc (09022015). Collection method: clinical testing. Allele origin: germline.

PreventionGenetics, part of Exact Sciences
Classification: Likely benign for LOXL3-related condition. Last evaluated: 2024-11-04. Review status: criteria provided, single submitter. Criteria: ACMG Guidelines, 2015. Collection method: clinical testing. Allele origin: germline.
Comment: This variant is classified as likely benign based on ACMG/AMP sequence variant interpretation guidelines (Richards et al. 2015 PMID: 25741868, with internal and published modifications).